The following is an entry in ClinVar:

ClinVar aggregate classification (germline): Uncertain significance (1 of 4 stars; one submission).

Allele frequency attached by ClinVar (database versions not stated): gnomAD exomes below 0.00001; ExAC 0.00001.

Submission:

GeneDx
Classification: Uncertain significance. Last evaluated: 2019-08-29. Review status: criteria provided, single submitter. Criteria: GeneDx Variant Classification Process June 2021. Collection method: clinical testing. Allele origin: germline. Affected: yes.
Comment: Not observed at a significant frequency in large population cohorts (Lek et al., 2016); In silico analysis, which includes protein predictors and evolutionary conservation, supports a deleterious effect; Has not been previously published as pathogenic or benign to our knowledge

NM_000297.4(PKD2):c.1765A>G (p.Thr589Ala)

Gene: PKD2 (polycystin 2, transient receptor potential cation channel; plus strand). Cytogenetic location: 4q22.1.
Variant type: single nucleotide variant.
Coding change: c.1765A>G on transcript NM_000297.4 (MANE Select); coding-DNA position 1765, A replaced by G.
Protein change: p.Thr589Ala; replaces threonine 589 with alanine.
Molecular consequence: missense variant. On other transcripts: non-coding transcript variant (1).
Genome position (GRCh38, 1-based): chr4:88,056,134, A>G. VCF-style: chr4-88056134-A-G. GRCh37 (hg19) VCF-style: chr4-88977286-A-G.
Other names: short protein forms T589A.
Identifiers: ClinVar variation 1308192 (VCV001308192.2), dbSNP rs777230304, ClinGen allele CA3004047.
Genomic context (GRCh38, chr4:88,056,134, plus strand): 5'-TCTCTCTTACAGCTCTTCAAATTCATCAATTTTAACAGGACCATGAGCCAGCTCTCGACA[A>G]CCATGTCTCGATGTGCCAAAGACCTGTTTGGCTTTGCTATTATGTTCTTCATTATTTTCC-3'
Protein context (NP_000288.1, residues 579-599): FNRTMSQLST[Thr589Ala]MSRCAKDLFG